The following is an entry in ClinVar:

ClinVar aggregate classification (germline): Benign. Review status: criteria provided, multiple submitters, no conflicts (2 of 4 stars). 3 submissions from 3 submitters: Benign (3). Last evaluated 2021-06-20.

Conditions:
Gray platelet syndrome (GPS). Also called: BLEEDING DISORDER, PLATELET-TYPE, 4. Identifiers: Orphanet 721, MedGen C0272302, MONDO:0007686, OMIM 139090.

Allele frequency attached by ClinVar (database versions not stated): gnomAD exomes 0.04048; gnomAD 0.04972; TOPMed 0.06243; 1000 Genomes Project 30x 0.07370; 1000 Genomes Project 0.07568; ExAC 0.17460.
gnomAD v4.1: 24,738 of 574,602 alleles (4.3%); highest among the groups gnomAD compares: Admixed American, 15%; 1,167 homozygotes.

Submissions (3):

GeneDx
Classification: Benign. Last evaluated: 2021-06-20. Review status: criteria provided, single submitter. Criteria: GeneDx Variant Classification Process June 2021. Collection method: clinical testing. Allele origin: germline. Affected: yes.

Illumina Laboratory Services, Illumina
Classification: Benign for Gray platelet syndrome. Last evaluated: 2018-01-13. Review status: criteria provided, single submitter. Criteria: ICSL Variant Classification Criteria 13 December 2019. Collection method: clinical testing. Allele origin: germline.
Comment: This variant was observed in the ICSL laboratory as part of a predisposition screen in an ostensibly healthy population. It had not been previously curated by ICSL or reported in the Human Gene Mutation Database (HGMD: prior to June 1st, 2018), and was therefore a candidate for classification through an automated scoring system. Utilizing variant allele frequency, disease prevalence and penetrance estimates, and inheritance mode, an automated score was calculated to assess if this variant is too frequent to cause the disease. Based on the score and internal cut-off values, a variant classified as benign is not then subjected to further curation. The score for this variant resulted in a classification of benign for this disease.

Breakthrough Genomics
Classification: Benign. Review status: criteria provided, single submitter. Criteria: ACMG Guidelines, 2015. Collection method: not provided. Allele origin: germline. Inheritance: Autosomal recessive inheritance. Affected: yes.

NM_015175.3(NBEAL2):c.*216A>G

Gene: NBEAL2 (neurobeachin like 2; plus strand). Cytogenetic location: 3p21.31.
Variant type: single nucleotide variant.
Coding change: c.*216A>G on transcript NM_015175.3 (MANE Select); 216 bases downstream of the stop codon, A replaced by G.
Molecular consequence: 3 prime UTR variant.
Genome position (GRCh38, 1-based): chr3:47,009,536, A>G. VCF-style: chr3-47009536-A-G. GRCh37 (hg19) VCF-style: chr3-47051026-A-G.
Other names: c.*216A>G (NM_001365116.2).
Identifiers: ClinVar variation 345701 (VCV000345701.7), dbSNP rs2305640, ClinGen allele CA2362422.